The following is an entry in ClinVar:

NM_020745.4(AARS2):c.509C>T (p.Ser170Phe)

Gene: AARS2 (alanyl-tRNA synthetase 2, mitochondrial; minus strand). Cytogenetic location: 6p21.1.
Variant type: single nucleotide variant.
Coding change: c.509C>T on transcript NM_020745.4 (MANE Select); coding-DNA position 509, C replaced by T.
Protein change: p.Ser170Phe; replaces serine 170 with phenylalanine.
Molecular consequence: missense variant.
Genome position (GRCh38, 1-based): chr6:44,311,462, G>A on the plus strand (C>T on the coding strand, the complement: AARS2 is on the minus strand). VCF-style: chr6-44311462-G-A. GRCh37 (hg19) VCF-style: chr6-44279199-G-A.
Other names: c.509C>T (NM_020745.2); short protein forms S170F.
Identifiers: ClinVar variation 1404173 (VCV001404173.8), dbSNP rs1367537494, ClinGen allele CA364341281.

ClinVar aggregate classification (germline): Uncertain significance. Review status: criteria provided, multiple submitters, no conflicts (2 of 4 stars). 2 submissions from 2 submitters: Uncertain significance (2). Last evaluated 2025-01-27.

Conditions:
Inborn genetic diseases. Identifiers: MedGen C0950123, MeSH D030342.

Allele frequency attached by ClinVar (database versions not stated): gnomAD exomes below 0.00001; TOPMed below 0.00001.
gnomAD v4.1: 2 of 1,614,036 alleles (0.00012%); highest among the groups gnomAD compares: Non-Finnish European, 0.00017%; no homozygotes.

Submissions (2):

Ambry Genetics
Classification: Uncertain significance for Inborn genetic diseases. Last evaluated: 2025-01-27. Review status: criteria provided, single submitter. Criteria: Ambry Variant Classification Scheme 2023. Collection method: clinical testing. Allele origin: germline.

Labcorp Genetics (formerly Invitae), Labcorp
Classification: Uncertain significance. Last evaluated: 2021-09-24. Review status: criteria provided, single submitter. Criteria: Invitae Variant Classification Sherloc (09022015). Collection method: clinical testing. Allele origin: germline.
Comment: This sequence change replaces serine with phenylalanine at codon 170 of the AARS2 protein (p.Ser170Phe). The serine residue is moderately conserved and there is a large physicochemical difference between serine and phenylalanine. In summary, the available evidence is currently insufficient to determine the role of this variant in disease. Therefore, it has been classified as a Variant of Uncertain Significance. Advanced modeling of protein sequence and biophysical properties (such as structural, functional, and spatial information, amino acid conservation, physicochemical variation, residue mobility, and thermodynamic stability) performed at Invitae indicates that this missense variant is expected to disrupt AARS2 protein function. This variant has not been reported in the literature in individuals affected with AARS2-related conditions. This variant is not present in population databases (ExAC no frequency).